The following is an entry in ClinVar:

NM_006662.3(SRCAP):c.9352C>T (p.Arg3118Cys)

Gene: SRCAP (Snf2 related CREBBP activator protein; plus strand). Cytogenetic location: 16p11.2.
Variant type: single nucleotide variant.
Coding change: c.9352C>T on transcript NM_006662.3 (MANE Select); coding-DNA position 9352, C replaced by T.
Protein change: p.Arg3118Cys; replaces arginine 3118 with cysteine.
Molecular consequence: missense variant.
Genome position (GRCh38, 1-based): chr16:30,739,392, C>T. VCF-style: chr16-30739392-C-T. GRCh37 (hg19) VCF-style: chr16-30750713-C-T.
Other names: short protein forms R3118C.
Identifiers: ClinVar variation 3607480 (VCV003607480.2).

ClinVar aggregate classification (germline): Uncertain significance (1 of 4 stars; one submission).

gnomAD v4.1: 11 of 1,614,100 alleles (0.00068%); highest among the groups gnomAD compares: African/African-American, 0.0013%; no homozygotes.

Submission:

Labcorp Genetics (formerly Invitae), Labcorp
Classification: Uncertain significance. Last evaluated: 2024-10-22. Review status: criteria provided, single submitter. Criteria: Invitae Variant Classification Sherloc (09022015). Collection method: clinical testing. Allele origin: germline.
Comment: This sequence change replaces arginine, which is basic and polar, with cysteine, which is neutral and slightly polar, at codon 3118 of the SRCAP protein (p.Arg3118Cys). This variant is present in population databases (no rsID available, gnomAD 0.004%). This variant has not been reported in the literature in individuals affected with SRCAP-related conditions. Invitae Evidence Modeling of protein sequence and biophysical properties (such as structural, functional, and spatial information, amino acid conservation, physicochemical variation, residue mobility, and thermodynamic stability) indicates that this missense variant is not expected to disrupt SRCAP protein function with a negative predictive value of 80%. In summary, the available evidence is currently insufficient to determine the role of this variant in disease. Therefore, it has been classified as a Variant of Uncertain Significance.